The following is an entry in ClinVar:

ClinVar aggregate classification (germline): Conflicting classifications of pathogenicity. Review status: criteria provided, conflicting classifications (1 of 4 stars). 2 submissions from 2 submitters: Uncertain significance (1); Likely benign (1). Last evaluated 2024-04-01.

Conditions:
Nemaline myopathy 6 (NEM6). Also called: Nemaline myopathy 6, autosomal dominant. Identifiers: Orphanet 171439, MedGen C1836472, MONDO:0012237, OMIM 609273.

Allele frequency attached by ClinVar (database versions not stated): gnomAD exomes 0.00002; 1000 Genomes Project 30x 0.00016; 1000 Genomes Project 0.00020; gnomAD below 0.00001 and 0.00002.

Submissions (2):

Labcorp Genetics (formerly Invitae), Labcorp
Classification: Uncertain significance for Nemaline myopathy 6. Last evaluated: 2024-04-01. Review status: criteria provided, single submitter. Criteria: Invitae Variant Classification Sherloc (09022015). Collection method: clinical testing. Allele origin: germline.
Comment: This sequence change affects codon 367 of the KBTBD13 mRNA. It is a 'silent' change, meaning that it does not change the encoded amino acid sequence of the KBTBD13 protein. This variant is present in population databases (rs543844534, gnomAD 0.02%). This variant has not been reported in the literature in individuals affected with KBTBD13-related conditions. ClinVar contains an entry for this variant (Variation ID: 316751). In summary, the available evidence is currently insufficient to determine the role of this variant in disease. Therefore, it has been classified as a Variant of Uncertain Significance.

Illumina Laboratory Services, Illumina
Classification: Likely benign for Nemaline myopathy 6. Last evaluated: 2018-01-12. Review status: criteria provided, single submitter. Criteria: ICSL Variant Classification Criteria 13 December 2019. Collection method: clinical testing. Allele origin: germline.
Comment: This variant was observed in the ICSL laboratory as part of a predisposition screen in an ostensibly healthy population. It had not been previously curated by ICSL or reported in the Human Gene Mutation Database (HGMD: prior to June 1st, 2018), and was therefore a candidate for classification through an automated scoring system. Utilizing variant allele frequency, disease prevalence and penetrance estimates, and inheritance mode, an automated score was calculated to assess if this variant is too frequent to cause the disease. Based on the score and internal cut-off values, a variant classified as likely benign is not then subjected to further curation. The score for this variant resulted in a classification of likely benign for this disease.

NM_001101362.3(KBTBD13):c.1101C>T (p.Cys367=)

Gene: KBTBD13 (kelch repeat and BTB domain containing 13; plus strand). Cytogenetic location: 15q22.31.
Variant type: single nucleotide variant.
Coding change: c.1101C>T on transcript NM_001101362.3 (MANE Select); coding-DNA position 1101, C replaced by T.
Protein change: p.Cys367=; no amino-acid change (cysteine 367 retained).
Molecular consequence: synonymous variant.
Genome position (GRCh38, 1-based): chr15:65,077,916, C>T. VCF-style: chr15-65077916-C-T. GRCh37 (hg19) VCF-style: chr15-65370254-C-T.
Identifiers: ClinVar variation 316751 (VCV000316751.7), dbSNP rs543844534, ClinGen allele CA7614072.
Genomic context (GRCh38, chr15:65,077,916, plus strand): 5'-GGCCCACCGCGACAGCCTCTATGTGGTGCGCAACGGACCTTCCGACGACTTCCTGCACTG[C>T]GCCATCGACTGTCTCAACCTGGCCACGGGCCAGTGGACGGCGCTGCCCGGCCAGTTCGTC-3'
Protein context (NP_001094832.1, residues 357-377): RNGPSDDFLH[Cys367=]AIDCLNLATG